The following is an entry in ClinVar:

NM_000083.3(CLCN1):c.726T>A (p.Cys242Ter)

Gene: CLCN1 (chloride voltage-gated channel 1; plus strand). Cytogenetic location: 7q34.
Variant type: single nucleotide variant.
Coding change: c.726T>A on transcript NM_000083.3 (MANE Select); coding-DNA position 726, T replaced by A.
Protein change: p.Cys242Ter; replaces cysteine 242 with a stop codon.
Molecular consequence: nonsense. On other transcripts: non-coding transcript variant (1).
Genome position (GRCh38, 1-based): chr7:143,323,338, T>A. VCF-style: chr7-143323338-T-A. GRCh37 (hg19) VCF-style: chr7-143020431-T-A.
Other names: short protein forms C242*.
Identifiers: ClinVar variation 1070309 (VCV001070309.15), dbSNP rs757481015, ClinGen allele CA4537065.
Genomic context (GRCh38, chr7:143,323,338, plus strand): 5'-GACCCCCGCCCCCTCGCTCCCCCTCTCCCAGGGCCCCTTCGTCCACATTGCCAGCATCTG[T>A]GCTGCTGTCCTCAGCAAATTCATGTCTGTGTTCTGCGGGGTATATGAGGTAAGGTTGAGA-3'

ClinVar aggregate classification (germline): Pathogenic/Likely pathogenic. Review status: criteria provided, multiple submitters, no conflicts (2 of 4 stars). 4 submissions from 4 submitters: Pathogenic (2); Likely pathogenic (2). Last evaluated 2024-11-21.

Conditions:
Congenital myotonia, autosomal dominant form (THD). Also called: THOMSEN DISEASE; Myotonia congenita autosomal dominant. Identifiers: Orphanet 614, MedGen C2936781, MONDO:0008055, OMIM 160800.
Congenital myotonia, autosomal recessive form. Also called: Becker Generalized Myotonia; myotonia congenita, autosomal recessive; BECKER DISEASE. Identifiers: Orphanet 614, MedGen C0751360, MONDO:0009715, OMIM 255700.

Allele frequency attached by ClinVar (database versions not stated): ExAC 0.00003; gnomAD exomes 0.00004.
gnomAD v4.1: 20 of 1,613,372 alleles (0.0012%); highest among the groups gnomAD compares: South Asian, 0.022%; 1 homozygote.

Submissions (4):

Labcorp Genetics (formerly Invitae), Labcorp
Classification: Pathogenic for Congenital myotonia, autosomal recessive form; Congenital myotonia, autosomal dominant form. Last evaluated: 2024-11-21. Review status: criteria provided, single submitter. Criteria: Invitae Variant Classification Sherloc (09022015). Collection method: clinical testing. Allele origin: germline.
Comment: This sequence change creates a premature translational stop signal (p.Cys242*) in the CLCN1 gene. It is expected to result in an absent or disrupted protein product. Loss-of-function variants in CLCN1 are known to be pathogenic (PMID: 17932099, 22094069, 23739125). This variant is present in population databases (rs757481015, gnomAD 0.03%), including at least one homozygous and/or hemizygous individual. This premature translational stop signal has been observed in individual(s) with autosomal recessive myotonia congenita (PMID: 17932099). ClinVar contains an entry for this variant (Variation ID: 1070309). Algorithms developed to predict the effect of sequence changes on RNA splicing suggest that this variant may disrupt the consensus splice site. For these reasons, this variant has been classified as Pathogenic.

GeneDx
Classification: Likely pathogenic. Last evaluated: 2024-01-16. Review status: criteria provided, single submitter. Criteria: GeneDx Variant Classification Process June 2021. Collection method: clinical testing. Allele origin: germline. Affected: yes.
Comment: Nonsense variant predicted to result in protein truncation or nonsense mediated decay in a gene for which loss of function is a known mechanism of disease; This variant is associated with the following publications: (PMID: 25525159, 17932099)

Department of Pathology and Laboratory Medicine, Sinai Health System
Classification: Pathogenic for Congenital myotonia, autosomal dominant form; Congenital myotonia, autosomal recessive form. Last evaluated: 2022-10-31. Review status: criteria provided, single submitter. Criteria: ACMG Guidelines, 2015. Collection method: research. Allele origin: germline.

Revvity Omics, Revvity
Classification: Likely pathogenic. Last evaluated: 2019-04-11. Review status: criteria provided, single submitter. Criteria: ACMG Guidelines, 2015. Collection method: clinical testing. Allele origin: germline.

Literature cited by the submitters: PubMed 17932099 (cited by Labcorp Genetics (formerly Invitae), Labcorp); PubMed 22094069 (cited by Labcorp Genetics (formerly Invitae), Labcorp); PubMed 23739125 (cited by Labcorp Genetics (formerly Invitae), Labcorp).